The following is an entry in ClinVar:

ClinVar aggregate classification (germline): Uncertain significance (1 of 4 stars; one submission).

Conditions:
Noonan syndrome 12. Identifiers: MedGen C5231432, MONDO:0032839, OMIM 618624.

gnomAD v4.1: 3 of 1,612,666 alleles (0.00019%); highest among the groups gnomAD compares: Non-Finnish European, 0.00025%; no homozygotes.

Submission:

Institute of Human Genetics, University of Leipzig Medical Center
Classification: Uncertain significance for Noonan syndrome 12. Last evaluated: 2023-05-16. Review status: criteria provided, single submitter. Criteria: ACMG Guidelines, 2015. Collection method: clinical testing. Allele origin: unknown. Inheritance: Autosomal dominant inheritance. Affected: yes.
Comment: Criteria applied: PM2_SUP

NM_012250.6(RRAS2):c.560C>G (p.Pro187Arg)

Gene: RRAS2 (RAS related 2; minus strand). Cytogenetic location: 11p15.2.
Variant type: single nucleotide variant.
Coding change: c.560C>G on transcript NM_012250.6 (MANE Select); coding-DNA position 560, C replaced by G.
Protein change: p.Pro187Arg; replaces proline 187 with arginine.
Molecular consequence: missense variant.
Genome position (GRCh38, 1-based): chr11:14,279,392, G>C on the plus strand (C>G on the coding strand, the complement: RRAS2 is on the minus strand). VCF-style: chr11-14279392-G-C. GRCh37 (hg19) VCF-style: chr11-14300938-G-C.
Other names: c.329C>G, p.Pro110Arg (NM_001102669.3, NM_001177315.2); c.455C>G, p.Pro152Arg (NM_001177314.2); short protein forms P110R, P152R, P187R.
Identifiers: ClinVar variation 2576594 (VCV002576594.2), dbSNP rs2494095831, ClinGen allele CA379731897.
Genomic context (GRCh38, chr11:14,279,392, plus strand): 5'-GGATTCTAGAAAATGACACAATGGCAGCCTTTCTTGTCTTTTTCTTTCCGTGTTGGTTCT[G>C]GTGAAGGAGGACATTCCTGCTCTTGAAATTTCCTGTAAGATAAAAAATTCTAAAATATAA-3'
Protein context (NP_036382.2, residues 177-197): KFQEQECPPS[Pro187Arg]EPTRKEKDKK